The following is an entry in ClinVar:

NM_005476.7(GNE):c.*1021A>G

Gene: GNE (glucosamine (UDP-N-acetyl)-2-epimerase/N-acetylmannosamine kinase; minus strand). Cytogenetic location: 9p13.3.
Variant type: single nucleotide variant.
Coding change: c.*1021A>G on transcript NM_005476.7 (MANE Select); 1021 bases downstream of the stop codon, A replaced by G.
Molecular consequence: 3 prime UTR variant.
Genome position (GRCh38, 1-based): chr9:36,216,344, T>C on the plus strand (A>G on the coding strand, the complement: GNE is on the minus strand). VCF-style: chr9-36216344-T-C. GRCh37 (hg19) VCF-style: chr9-36216341-T-C.
Other names: c.*1021A>G (NM_001128227.3, NM_001190383.3, NM_001190384.3 and 3 more transcripts).
Identifiers: ClinVar variation 366823 (VCV000366823.7), dbSNP rs10435799, ClinGen allele CA5056327.
Genomic context (GRCh38, chr9:36,216,344, plus strand): 5'-GGATCACCTTCTGTGATCTTAGTTTGGGGTTAGAGGAGGAAGGATGTGTGTGTGTGTGTG[T>C]GTGTGTGTGTAGACGGAGTCTCGCTCTGTCACCCAGGGTGGAGTGCAGTGGCATGATCTC-3'

ClinVar aggregate classification (germline): Benign/Likely benign. Review status: criteria provided, multiple submitters, no conflicts (2 of 4 stars). 2 submissions from 2 submitters: Benign (1); Likely benign (1). Last evaluated 2018-01-13.

Conditions:
Sialuria. Also called: SIALURIA, FRENCH TYPE; Sialic Acid Storage Disease. Identifiers: Orphanet 3166, MedGen C0342853, MONDO:0010028, OMIM 269921.

Allele frequency attached by ClinVar (database versions not stated): gnomAD 0.00001; gnomAD exomes 0.00037; ExAC 0.00136.

Submissions (2):

Illumina Laboratory Services, Illumina
Classification: Benign for Sialuria. Last evaluated: 2018-01-13. Review status: criteria provided, single submitter. Criteria: ICSL Variant Classification Criteria 13 December 2019. Collection method: clinical testing. Allele origin: germline.
Comment: This variant was observed in the ICSL laboratory as part of a predisposition screen in an ostensibly healthy population. It had not been previously curated by ICSL or reported in the Human Gene Mutation Database (HGMD: prior to June 1st, 2018), and was therefore a candidate for classification through an automated scoring system. Utilizing variant allele frequency, disease prevalence and penetrance estimates, and inheritance mode, an automated score was calculated to assess if this variant is too frequent to cause the disease. Based on the score and internal cut-off values, a variant classified as benign is not then subjected to further curation. The score for this variant resulted in a classification of benign for this disease.

Breakthrough Genomics
Classification: Likely benign. Review status: criteria provided, single submitter. Criteria: ACMG Guidelines, 2015. Collection method: not provided. Allele origin: germline. Inheritance: Autosomal recessive inheritance. Affected: yes.